The following is an entry in ClinVar:

ClinVar aggregate classification (germline): Uncertain significance (1 of 4 stars; one submission).

Submission:

Labcorp Genetics (formerly Invitae), Labcorp
Classification: Uncertain significance. Last evaluated: 2022-03-03. Review status: criteria provided, single submitter. Criteria: Invitae Variant Classification Sherloc (09022015). Collection method: clinical testing. Allele origin: germline.
Comment: This sequence change replaces proline, which is neutral and non-polar, with arginine, which is basic and polar, at codon 159 of the FLVCR1 protein (p.Pro159Arg). This variant is not present in population databases (gnomAD no frequency). This variant has not been reported in the literature in individuals affected with FLVCR1-related conditions. ClinVar contains an entry for this variant (Variation ID: 938073). Algorithms developed to predict the effect of missense changes on protein structure and function are either unavailable or do not agree on the potential impact of this missense change (SIFT: "Tolerated"; PolyPhen-2: "Probably Damaging"; Align-GVGD: "Class C0"). In summary, the available evidence is currently insufficient to determine the role of this variant in disease. Therefore, it has been classified as a Variant of Uncertain Significance.

NM_014053.4(FLVCR1):c.476C>G (p.Pro159Arg)

Gene: FLVCR1 (FLVCR choline and heme transporter 1; plus strand). Cytogenetic location: 1q32.3.
Variant type: single nucleotide variant.
Coding change: c.476C>G on transcript NM_014053.4 (MANE Select); coding-DNA position 476, C replaced by G.
Protein change: p.Pro159Arg; replaces proline 159 with arginine.
Molecular consequence: missense variant.
Genome position (GRCh38, 1-based): chr1:212,858,928, C>G. VCF-style: chr1-212858928-C-G. GRCh37 (hg19) VCF-style: chr1-213032270-C-G.
Other names: short protein forms P159R.
Identifiers: ClinVar variation 938073 (VCV000938073.9), dbSNP rs1664128173, ClinGen allele CA344796452.